The following is an entry in ClinVar:

ClinVar aggregate classification (germline): Likely pathogenic (1 of 4 stars; one submission).

Conditions:
Intellectual developmental disorder, autosomal recessive 65. Also called: Intellectual disability, autosomal recessive 65; MENTAL RETARDATION, AUTOSOMAL RECESSIVE 65. Identifiers: MedGen C4748219, MONDO:0020850, OMIM 618109.

Submission:

Johns Hopkins Genomics, Johns Hopkins University
Classification: Likely pathogenic for Intellectual developmental disorder, autosomal recessive 65. Last evaluated: 2019-11-12. Review status: criteria provided, single submitter. Criteria: ACMG Guidelines, 2015. Collection method: clinical testing. Allele origin: germline.
Comment: This KDM5B variant is absent from a large population dataset and has not been reported in ClinVar nor the literature, to our knowledge. This frameshift variant results in a premature stop codon in exon 24 likely leading to nonsense-mediated decay and lack of protein production. We consider this variant to be likely pathogenic.

NM_006618.5(KDM5B):c.3652dup (p.Cys1218fs)

Gene: KDM5B (lysine demethylase 5B; minus strand). Cytogenetic location: 1q32.1.
Variant type: Duplication.
Coding change: c.3652dup on transcript NM_006618.5 (MANE Select); coding-DNA position 3652, one base duplicated (T; older notation c.3652dupT).
Protein change: p.Cys1218fs; shifts the reading frame from cysteine 1218.
Molecular consequence: frameshift variant.
Genome position (GRCh38, 1-based): chr1:202,733,658, A duplicated on the plus strand (T on the coding strand, the reverse complement: KDM5B is on the minus strand); the first of 3 consecutive A bases (chr1:202,733,658-202,733,660); duplicating any one gives the same sequence. VCF-style (leftmost placement, unchanged base first): chr1-202733657-C-CA. GRCh37 (hg19) VCF-style: chr1-202702785-C-CA.
Other names: c.3760dupT (NM_001314042.1); c.3760dup, p.Cys1254fs (NM_001314042.2); c.3517dup, p.Cys1173fs (NM_001347591.2); c.3637dup, p.Cys1213fs (NM_001399817.1); short protein forms C1218fs, C1173fs, C1254fs, C1213fs.
Identifiers: ClinVar variation 816679 (VCV000816679.2), dbSNP rs1572705473, ClinGen allele CA915941986.
Genomic context (GRCh38, chr1:202,733,657, plus strand): 5'-GAGGCGAGCAGGGGCAGAATTTTCTCTAATGGAGGTTTCTCTGACCTCCGACAATGGGGA[C>CA]AAAGCCAGATTCGCAGGCCCTGTGAAATACTGGGTACCGCCACACAACTGGTGTGGAAAG-3'